The following is an entry in ClinVar:

ClinVar aggregate classification (germline): Pathogenic (1 of 4 stars; one submission).

Conditions:
Marfan syndrome (MFS). Also called: MARFAN SYNDROME, TYPE I; Marfan syndrome type 1; Marfan's syndrome; Marfan syndrome, classic; FBN1-Related Marfan Syndrome. Identifiers: Orphanet 284963, Orphanet 558, MedGen C0024796, MONDO:0007947, OMIM 154700.
Familial thoracic aortic aneurysm and aortic dissection (TAAD). Also called: Thoracic aortic aneurysms and dissections. Identifiers: Orphanet 91387, MedGen C4707243, MONDO:0019625.

Submission:

Labcorp Genetics (formerly Invitae), Labcorp
Classification: Pathogenic for Marfan syndrome; Familial thoracic aortic aneurysm and aortic dissection. Last evaluated: 2021-03-03. Review status: criteria provided, single submitter. Criteria: Invitae Variant Classification Sherloc (09022015). Collection method: clinical testing. Allele origin: germline.
Comment: This sequence change creates a premature translational stop signal (p.Gly2859Valfs*4) in the FBN1 gene. While this is not anticipated to result in nonsense mediated decay, it is expected to disrupt the last 13 amino acid(s) of the FBN1 protein. This variant is not present in population databases (ExAC no frequency). This variant has been observed in individual(s) with clinical features of Marfan syndrome (Invitae). Algorithms developed to predict the effect of sequence changes on RNA splicing suggest that this variant may create or strengthen a splice site, but this prediction has not been confirmed by published transcriptional studies. This variant disrupts the C-terminus of the FBN1 protein. Other variant(s) that disrupt this region (p.Gln2867*) have been determined to be pathogenic (PMID: 19293843). This suggests that variants that disrupt this region of the protein are likely to be causative of disease. For these reasons, this variant has been classified as Pathogenic.

Literature cited by the submitters: PubMed 19293843.

NM_000138.5(FBN1):c.8576del (p.Gly2859fs)

Gene: FBN1 (fibrillin 1; minus strand). Cytogenetic location: 15q21.1.
Variant type: Deletion.
Coding change: c.8576del on transcript NM_000138.5 (MANE Select); coding-DNA position 8576, one base deleted (G; older notation c.8576delG).
Protein change: p.Gly2859fs; shifts the reading frame from glycine 2859.
Molecular consequence: frameshift variant.
Genome position (GRCh38, 1-based): chr15:48,411,030, C deleted on the plus strand (G on the coding strand, the reverse complement: FBN1 is on the minus strand); the first of 3 consecutive C bases (chr15:48,411,030-48,411,032); deleting any one gives the same sequence. VCF-style (leftmost placement, unchanged base first): chr15-48411029-AC-A. GRCh37 (hg19) VCF-style: chr15-48703226-AC-A.
Other names: short protein forms G2859fs.
Identifiers: ClinVar variation 1427976 (VCV001427976.8), dbSNP rs2141209492, ClinGen allele CA2573150909.